The following is an entry in ClinVar:

ClinVar aggregate classification (germline): Uncertain significance. Review status: criteria provided, multiple submitters, no conflicts (2 of 4 stars). 3 submissions from 3 submitters: Uncertain significance (3). Last evaluated 2025-09-05.

Conditions:
Inborn genetic diseases. Identifiers: MedGen C0950123, MeSH D030342.

Allele frequency attached by ClinVar (database versions not stated): ExAC 0.00013; gnomAD 0.00007; TOPMed 0.00006; gnomAD exomes 0.00009.
gnomAD v4.1: 133 of 1,613,986 alleles (0.0082%); highest among the groups gnomAD compares: Non-Finnish European, 0.01%; no homozygotes.

Submissions (3):

Ambry Genetics
Classification: Uncertain significance for Inborn genetic diseases. Last evaluated: 2025-09-05. Review status: criteria provided, single submitter. Criteria: Ambry Variant Classification Scheme 2023. Collection method: clinical testing. Allele origin: germline.

Labcorp Genetics (formerly Invitae), Labcorp
Classification: Uncertain significance. Last evaluated: 2025-08-30. Review status: criteria provided, single submitter. Criteria: Invitae Variant Classification Sherloc (09022015). Collection method: clinical testing. Allele origin: germline.
Comment: This sequence change replaces phenylalanine, which is neutral and non-polar, with leucine, which is neutral and non-polar, at codon 1069 of the POLR1A protein (p.Phe1069Leu). This variant is present in population databases (rs201178375, gnomAD 0.02%). This variant has not been reported in the literature in individuals affected with POLR1A-related conditions. ClinVar contains an entry for this variant (Variation ID: 2514162). Invitae Evidence Modeling of protein sequence and biophysical properties (such as structural, functional, and spatial information, amino acid conservation, physicochemical variation, residue mobility, and thermodynamic stability) indicates that this missense variant is not expected to disrupt POLR1A protein function with a negative predictive value of 80%. In summary, the available evidence is currently insufficient to determine the role of this variant in disease. Therefore, it has been classified as a Variant of Uncertain Significance.

Breakthrough Genomics
Classification: Uncertain significance. Review status: criteria provided, single submitter. Criteria: ACMG Guidelines, 2015. Collection method: not provided. Allele origin: germline. Inheritance: Autosomal dominant inheritance. Affected: yes.

NM_015425.6(POLR1A):c.3205T>C (p.Phe1069Leu)

Gene: POLR1A (RNA polymerase I subunit A; minus strand). Cytogenetic location: 2p11.2.
Variant type: single nucleotide variant.
Coding change: c.3205T>C on transcript NM_015425.6 (MANE Select); coding-DNA position 3205, T replaced by C.
Protein change: p.Phe1069Leu; replaces phenylalanine 1069 with leucine.
Molecular consequence: missense variant.
Genome position (GRCh38, 1-based): chr2:86,043,126, A>G on the plus strand (T>C on the coding strand, the complement: POLR1A is on the minus strand). VCF-style: chr2-86043126-A-G. GRCh37 (hg19) VCF-style: chr2-86270249-A-G.
Other names: short protein forms F1069L.
Identifiers: ClinVar variation 2514162 (VCV002514162.7), dbSNP rs201178375, ClinGen allele CA1745830.